The following is an entry in ClinVar:

ClinVar aggregate classification (germline): Likely benign. Review status: criteria provided, multiple submitters, no conflicts (2 of 4 stars). 2 submissions from 2 submitters: Likely benign (2). Last evaluated 2023-08-03.

Conditions:
Hypercholesterolemia, autosomal dominant, 3 (FHCL3). Also called: Familial hypercholesterolemia 3; Familial Hypercholesterolemia, Autosomal Dominant, 3; PCSK9-Related Familial Hypercholesterolemia, Autosomal Dominant. Identifiers: MedGen C1863551, MONDO:0011369, OMIM 603776.

Submissions (2):

Labcorp Genetics (formerly Invitae), Labcorp
Classification: Likely benign for Hypercholesterolemia, autosomal dominant, 3. Last evaluated: 2023-08-03. Review status: criteria provided, single submitter. Criteria: Invitae Variant Classification Sherloc (09022015). Collection method: clinical testing. Allele origin: germline.

All of Us Research Program, National Institutes of Health
Classification: Likely benign for Hypercholesterolemia, autosomal dominant, 3. Last evaluated: 2023-05-04. Review status: criteria provided, single submitter. Criteria: ACMG Guidelines, 2015. Collection method: clinical testing. Allele origin: germline. Inheritance: Autosomal dominant inheritance. Observed: 1 variant allele, 1 heterozygote.
Comment: This study involves interpretation of variants in research participants for the purpose of population health screening. Participant phenotype was not available at the time of variant classification. Additional details can be found in publication PMID: 35346344, PMCID: PMC8962531

NM_174936.4(PCSK9):c.720C>A (p.Gly240=)

Gene: PCSK9 (proprotein convertase subtilisin/kexin type 9; plus strand). Cytogenetic location: 1p32.3.
Variant type: single nucleotide variant.
Coding change: c.720C>A on transcript NM_174936.4 (MANE Select); coding-DNA position 720, C replaced by A.
Protein change: p.Gly240=; no amino-acid change (glycine 240 retained).
Molecular consequence: synonymous variant. On other transcripts: non-coding transcript variant (8).
Genome position (GRCh38, 1-based): chr1:55,052,712, C>A. VCF-style: chr1-55052712-C-A. GRCh37 (hg19) VCF-style: chr1-55518385-C-A.
Other names: c.720C>A, p.Gly240= (NM_001407247.1, NM_001407241.1, NM_001407244.1); c.843C>A, p.Gly281= (NM_001407240.1); c.723C>A, p.Gly241= (NM_001407242.1); c.663C>A, p.Gly221= (NM_001407243.1); c.528C>A, p.Gly176= (NM_001407245.1); c.345C>A, p.Gly115= (NM_001407246.1).
Identifiers: ClinVar variation 3021413 (VCV003021413.4), dbSNP rs41297883, ClinGen allele CA418181023.